The following is an entry in ClinVar:

ClinVar aggregate classification (germline): Uncertain significance (1 of 4 stars; one submission).

Conditions:
Ataxia-telangiectasia syndrome (AT). Also called: Ataxia-telangiectasia; LOUIS-BAR SYNDROME; Ataxia-telangiectasia, complementation group D; AT, COMPLEMENTATION GROUP C; ATAXIA-TELANGIECTASIA, COMPLEMENTATION GROUP A; ATAXIA-TELANGIECTASIA, FRESNO VARIANT. Identifiers: Orphanet 100, MedGen C0004135, MONDO:0008840, OMIM 208900.

Submission:

Labcorp Genetics (formerly Invitae), Labcorp
Classification: Uncertain significance for Ataxia-telangiectasia syndrome. Last evaluated: 2024-11-10. Review status: criteria provided, single submitter. Criteria: Invitae Variant Classification Sherloc (09022015). Collection method: clinical testing. Allele origin: germline.
Comment: This sequence change replaces aspartic acid, which is acidic and polar, with glycine, which is neutral and non-polar, at codon 2625 of the ATM protein (p.Asp2625Gly). This variant is not present in population databases (gnomAD no frequency). This missense change has been observed in individual(s) with breast cancer (PMID: 17393301, 19781682, 30197789). ClinVar contains an entry for this variant (Variation ID: 1369427). Invitae Evidence Modeling of protein sequence and biophysical properties (such as structural, functional, and spatial information, amino acid conservation, physicochemical variation, residue mobility, and thermodynamic stability) has been performed for this missense variant. However, the output from this modeling did not meet the statistical confidence thresholds required to predict the impact of this variant on ATM protein function. In summary, the available evidence is currently insufficient to determine the role of this variant in disease. Therefore, it has been classified as a Variant of Uncertain Significance.

Literature cited by the submitters: PubMed 17393301; PubMed 19781682; PubMed 30197789.

NM_000051.4(ATM):c.7874A>G (p.Asp2625Gly)

Genes: ATM (ATM serine/threonine kinase; plus strand), C11orf65 (chromosome 11 open reading frame 65; minus strand). Cytogenetic location: 11q22.3.
Variant type: single nucleotide variant.
Coding change: c.7874A>G on transcript NM_000051.4 (MANE Select); coding-DNA position 7874, A replaced by G.
Protein change: p.Asp2625Gly; replaces aspartic acid 2625 with glycine.
Molecular consequence: missense variant. On other transcripts: intron variant (2).
Genome position (GRCh38, 1-based): chr11:108,332,847, A>G. VCF-style: chr11-108332847-A-G. GRCh37 (hg19) VCF-style: chr11-108203574-A-G.
Other names: c.7874A>G, p.Asp2625Gly (NM_001351834.2); c.641-23776T>C (NM_001330368.2); c.*38+2373T>C (NM_001351110.2); short protein forms D2625G.
Identifiers: ClinVar variation 1369427 (VCV001369427.6), dbSNP rs876660121, ClinGen allele CA382561419.